The following is an entry in ClinVar:

ClinVar aggregate classification (germline): Benign. Review status: criteria provided, multiple submitters, no conflicts (2 of 4 stars). 4 submissions from 4 submitters: Benign (3). 1 of the submissions does not count toward it. Last evaluated 2026-02-03.

Allele frequency attached by ClinVar (database versions not stated): 1000 Genomes Project 30x 0.02483; 1000 Genomes Project 0.02616; gnomAD exomes 0.05039; gnomAD 0.04313 and 0.04427; ExAC 0.05465; TOPMed 0.04199; ESP Exome Variant Server 0.04375.
gnomAD v4.1: 84,431 of 1,613,254 alleles (5.2%); highest among the groups gnomAD compares: Middle Eastern, 9.8%; 2,543 homozygotes.

Submissions (4):

Labcorp Genetics (formerly Invitae), Labcorp
Classification: Benign. Last evaluated: 2026-02-03. Review status: criteria provided, single submitter. Criteria: Invitae Variant Classification Sherloc (09022015). Collection method: clinical testing. Allele origin: germline.

GeneDx
Classification: Benign. Last evaluated: 2013-12-21. Review status: criteria provided, single submitter. Criteria: GeneDx Variant Classification (06012015). Collection method: clinical testing. Allele origin: germline. Affected: yes.
Comment: This variant is considered likely benign or benign based on one or more of the following criteria: it is a conservative change, it occurs at a poorly conserved position in the protein, it is predicted to be benign by multiple in silico algorithms, and/or has population frequency not consistent with disease.

Breakthrough Genomics
Classification: Benign. Review status: criteria provided, single submitter. Criteria: ACMG Guidelines, 2015. Collection method: not provided. Allele origin: germline. Inheritance: Autosomal recessive inheritance. Affected: yes.

Genetic Services Laboratory, University of Chicago
Classification: Likely benign for AllHighlyPenetrant. Review status: no assertion criteria provided. Collection method: clinical testing. Allele origin: germline. Inheritance: X-linked inheritance. Not counted in ClinVar's aggregate classification.
Comment: Likely benign based on allele frequency in 1000 Genomes Project or ESP global frequency and its presence in a patient with a rare or unrelated disease phenotype. NOT Sanger confirmed.

NM_006059.4(LAMC3):c.3790C>T (p.Arg1264Trp)

Gene: LAMC3 (laminin subunit gamma 3; plus strand). Cytogenetic location: 9q34.12.
Variant type: single nucleotide variant.
Coding change: c.3790C>T on transcript NM_006059.4 (MANE Select); coding-DNA position 3790, C replaced by T.
Protein change: p.Arg1264Trp; replaces arginine 1264 with tryptophan.
Molecular consequence: missense variant.
Genome position (GRCh38, 1-based): chr9:131,079,161, C>T. VCF-style: chr9-131079161-C-T. GRCh37 (hg19) VCF-style: chr9-133954548-C-T.
Other names: p.R1264W:CGG>TGG; short protein forms R1264W.
Identifiers: ClinVar variation 129463 (VCV000129463.14), dbSNP rs11244275, ClinGen allele CA153494.